The following is an entry in ClinVar:

NM_000878.5(IL2RB):c.1402G>A (p.Asp468Asn)

Gene: IL2RB (interleukin 2 receptor subunit beta; minus strand). Cytogenetic location: 22q12.3.
Variant type: single nucleotide variant.
Coding change: c.1402G>A on transcript NM_000878.5 (MANE Select); coding-DNA position 1402, G replaced by A.
Protein change: p.Asp468Asn; replaces aspartic acid 468 with asparagine.
Molecular consequence: missense variant.
Genome position (GRCh38, 1-based): chr22:37,128,350, C>T on the plus strand (G>A on the coding strand, the complement: IL2RB is on the minus strand). VCF-style: chr22-37128350-C-T. GRCh37 (hg19) VCF-style: chr22-37524390-C-T.
Other names: c.1402G>A, p.Asp468Asn (NM_001346222.1, NM_001346223.2); short protein forms D468N.
Identifiers: ClinVar variation 2491041 (VCV002491041.3), dbSNP rs750423328, ClinGen allele CA10216337.

ClinVar aggregate classification (germline): Uncertain significance. Review status: criteria provided, multiple submitters, no conflicts (2 of 4 stars). 2 submissions from 2 submitters: Uncertain significance (2). Last evaluated 2025-02-21.

Allele frequency attached by ClinVar (database versions not stated): ExAC 0.00001.

Submissions (2):

Labcorp Genetics (formerly Invitae), Labcorp
Classification: Uncertain significance. Last evaluated: 2025-02-21. Review status: criteria provided, single submitter. Criteria: Invitae Variant Classification Sherloc (09022015). Collection method: clinical testing. Allele origin: germline.
Comment: This sequence change replaces aspartic acid, which is acidic and polar, with asparagine, which is neutral and polar, at codon 468 of the IL2RB protein (p.Asp468Asn). This variant is present in population databases (rs750423328, gnomAD 0.007%). This variant has not been reported in the literature in individuals affected with IL2RB-related conditions. ClinVar contains an entry for this variant (Variation ID: 2491041). An algorithm developed to predict the effect of missense changes on protein structure and function (PolyPhen-2) suggests that this variant is likely to be tolerated. In summary, the available evidence is currently insufficient to determine the role of this variant in disease. Therefore, it has been classified as a Variant of Uncertain Significance.

Ambry Genetics
Classification: Uncertain significance. Last evaluated: 2023-02-28. Review status: criteria provided, single submitter. Criteria: Ambry Variant Classification Scheme 2023. Collection method: clinical testing. Allele origin: germline.